The following is an entry in ClinVar:

ClinVar aggregate classification (germline): Conflicting classifications of pathogenicity. Review status: criteria provided, conflicting classifications (1 of 4 stars). 4 submissions from 4 submitters: Uncertain significance (3); Likely benign (1). Last evaluated 2024-12-13.

Conditions:
Hereditary cancer-predisposing syndrome. Also called: Hereditary neoplastic syndrome; Tumor predisposition; Neoplastic Syndromes, Hereditary; Hereditary Cancer Syndrome. Identifiers: Orphanet 140162, MedGen C0027672, MeSH D009386, MONDO:0015356.
Basal cell carcinoma, susceptibility to, 1. Also called: BCC1. Identifiers: MedGen C2751544, MONDO:0011556, OMIM 605462.
Gorlin syndrome. Also called: Basal cell nevus syndrome; Nevoid Basal Cell Carcinoma Syndrome. Identifiers: Orphanet 377, MedGen C0004779, MONDO:0007187.

Allele frequency attached by ClinVar (database versions not stated): gnomAD exomes below 0.00001; TOPMed below 0.00001.
gnomAD v4.1: 2 of 1,613,878 alleles (0.00012%); highest among the groups gnomAD compares: Non-Finnish European, 0.00017%; no homozygotes.

Submissions (4):

GeneDx
Classification: Uncertain significance. Last evaluated: 2024-12-13. Review status: criteria provided, single submitter. Criteria: GeneDx Variant Classification Process June 2021. Collection method: clinical testing. Allele origin: germline. Affected: yes.
Comment: Not observed at significant frequency in large population cohorts (gnomAD); In silico analysis indicates that this missense variant does not alter protein structure/function; Observed in a cohort of individuals with autism (PMID: 35982160); This variant is associated with the following publications: (PMID: 11331587, 35982159, 35982160)

Labcorp Genetics (formerly Invitae), Labcorp
Classification: Likely benign for Gorlin syndrome. Last evaluated: 2024-08-29. Review status: criteria provided, single submitter. Criteria: Invitae Variant Classification Sherloc (09022015). Collection method: clinical testing. Allele origin: germline.

Ambry Genetics
Classification: Uncertain significance for Hereditary cancer-predisposing syndrome. Last evaluated: 2023-12-09. Review status: criteria provided, single submitter. Criteria: Ambry Variant Classification Scheme 2023. Collection method: clinical testing. Allele origin: germline.
Comment: The p.M658V variant (also known as c.1972A>G), located in coding exon 14 of the PTCH1 gene, results from an A to G substitution at nucleotide position 1972. The methionine at codon 658 is replaced by valine, an amino acid with highly similar properties. This amino acid position is highly conserved in available vertebrate species. In addition, this alteration is predicted to be deleterious by in silico analysis. Since supporting evidence is limited at this time, the clinical significance of this alteration remains unclear.

Baylor Genetics
Classification: Uncertain significance for Basal cell carcinoma, susceptibility to, 1. Last evaluated: 2023-07-11. Review status: criteria provided, single submitter. Criteria: ACMG Guidelines, 2015. Collection method: clinical testing. Allele origin: unknown.

NM_000264.5(PTCH1):c.1972A>G (p.Met658Val)

Genes: PTCH1 (patched 1; minus strand), LOC100507346 (uncharacterized LOC100507346; plus strand). Cytogenetic location: 9q22.32.
Variant type: single nucleotide variant.
Coding change: c.1972A>G on transcript NM_000264.5 (MANE Select); coding-DNA position 1972, A replaced by G.
Protein change: p.Met658Val; replaces methionine 658 with valine.
Molecular consequence: missense variant. On other transcripts: non-coding transcript variant (2).
Genome position (GRCh38, 1-based): chr9:95,469,029, T>C on the plus strand (A>G on the coding strand, the complement: PTCH1 is on the minus strand). VCF-style: chr9-95469029-T-C. GRCh37 (hg19) VCF-style: chr9-98231311-T-C.
Other names: c.1774A>G, p.Met592Val (NM_001083602.3); c.1969A>G, p.Met657Val (NM_001083603.3); c.1519A>G, p.Met507Val (NM_001083604.3, NM_001083605.3, NM_001083606.3 and 1 more transcripts); c.1816A>G, p.Met606Val (NM_001354918.2); short protein forms M657V, M592V, M606V, M507V, M658V.
Identifiers: ClinVar variation 950267 (VCV000950267.13), dbSNP rs1448553293, ClinGen allele CA374115928.
Genomic context (GRCh38, chr9:95,469,029, plus strand): 5'-TGGTGTAGTACACGTGCGTGTGGGGGTCGTACTCCGTGCGGAGCTGGACAGTGGACTGCA[T>C]GGTAATCTGCGTTTCATGGGCAAAGCTGTGGCTGCTGTAGGGAGGTGGGGGGCTGTAGCG-3'
Protein context (NP_000255.2, residues 648-668): HSFAHETQIT[Met658Val]QSTVQLRTEY